The following is an entry in ClinVar:

NM_004366.6(CLCN2):c.1412G>A (p.Arg471His)

Gene: CLCN2 (chloride voltage-gated channel 2; minus strand). Cytogenetic location: 3q27.1.
Variant type: single nucleotide variant.
Coding change: c.1412G>A on transcript NM_004366.6 (MANE Select); coding-DNA position 1412, G replaced by A.
Protein change: p.Arg471His; replaces arginine 471 with histidine.
Molecular consequence: missense variant. On other transcripts: intron variant (1).
Genome position (GRCh38, 1-based): chr3:184,354,643, C>T on the plus strand (G>A on the coding strand, the complement: CLCN2 is on the minus strand). VCF-style: chr3-184354643-C-T. GRCh37 (hg19) VCF-style: chr3-184072431-C-T.
Other names: c.1280G>A, p.Arg427His (NM_001171088.3); c.1412G>A, p.Arg471His (NM_001171089.3); c.1397-36G>A (NM_001171087.3); short protein forms R471H, R427H.
Identifiers: ClinVar variation 217791 (VCV000217791.9), dbSNP rs771507094, ClinGen allele CA347614.

ClinVar aggregate classification (germline): Conflicting classifications of pathogenicity. Review status: criteria provided, conflicting classifications (1 of 4 stars). 5 submissions from 5 submitters: Likely pathogenic (2); Uncertain significance (1). 2 of the submissions do not count toward it. Last evaluated 2025-12-27.

Conditions:
CLCN2-related disorder. Also called: CLCN2-related condition; CLCN2-related disorders.
Leukoencephalopathy with mild cerebellar ataxia and white matter edema (LKPAT). Also called: CLCN2-Related Leukoencephalopathy; Leukoencephalopathy with white matter edema; Brain white matter edema; Leukoencephalopathy with ataxia. Identifiers: Orphanet 363540, MedGen C4554120, MONDO:0014292, OMIM 615651. Disease mechanism: loss of function.
Familial hyperaldosteronism type II. Also called: FH II. Identifiers: Orphanet 404, MedGen C1854107, MONDO:0011576, OMIM 605635.

Allele frequency attached by ClinVar (database versions not stated): TOPMed below 0.00001; ExAC 0.00002; gnomAD exomes 0.00004 and 0.00001.

Submissions (5):

GeneDx
Classification: Likely pathogenic. Last evaluated: 2025-12-27. Review status: criteria provided, single submitter. Criteria: GeneDx Variant Classification Process June 2021. Collection method: clinical testing. Allele origin: germline.
Comment: Published functional studies demonstrate a decrease in CLCN2 current activation (PMID: 28905383); In silico analysis supports that this missense variant has a deleterious effect on protein structure/function; This variant is associated with the following publications: (PMID: 31589614, 36721163, 36879630, 28905383, 40513384, 28746943, 38173802)

Genomic Medicine Center of Excellence, King Faisal Specialist Hospital and Research Centre
Classification: Likely pathogenic for Familial hyperaldosteronism type II. Last evaluated: 2024-04-04. Review status: criteria provided, single submitter. Criteria: ACMG Guidelines, 2015. Collection method: clinical testing. Allele origin: germline.

Blueprint Genetics
Classification: Uncertain significance. Last evaluated: 2022-02-28. Review status: criteria provided, single submitter. Criteria: ACMG Guidelines, 2015. Collection method: clinical testing. Allele origin: germline.

PreventionGenetics, part of Exact Sciences
Classification: Pathogenic for CLCN2-related condition. Last evaluated: 2024-01-31. Review status: no assertion criteria provided. Collection method: clinical testing. Allele origin: germline. Not counted in ClinVar's aggregate classification.
Comment: The CLCN2 c.1412G>A variant is predicted to result in the amino acid substitution p.Arg471His. This variant has been reported in the homozygous state in one patient with gait-speech difficulty, dysarthria, nystagmus, ataxic gait, dysmetria and brain MRI findings consistent with CLCN2-related disease (Patient 1, Zeydan et al. 2017. PubMed ID: 28746943). This variant is reported in 0.016% of alleles in individuals of East Asian descent in gnomAD. In vitro functional characterization showed that this variant leads to significantly reduced current when compared to controls (Gaitán-Peñas. 2017. PubMed ID: 28905383). This variant is interpreted as pathogenic.

GeneReviews
No classification provided. Condition: Leukoencephalopathy with mild cerebellar ataxia and white matter edema. Review status: no classification provided. Collection method: literature only. Allele origin: germline. Affected: yes. Not counted in ClinVar's aggregate classification.

Literature cited by the submitters: NCBI Bookshelf NBK326661 (cited by GeneReviews).